The following is an entry in ClinVar:

NM_000152.5(GAA):c.2213G>A (p.Trp738Ter)

Gene: GAA (alpha glucosidase; plus strand). Cytogenetic location: 17q25.3.
Variant type: single nucleotide variant.
Coding change: c.2213G>A on transcript NM_000152.5 (MANE Select); coding-DNA position 2213, G replaced by A.
Protein change: p.Trp738Ter; replaces tryptophan 738 with a stop codon.
Molecular consequence: nonsense.
Genome position (GRCh38, 1-based): chr17:80,116,991, G>A. VCF-style: chr17-80116991-G-A. GRCh37 (hg19) VCF-style: chr17-78090790-G-A.
Other names: NM_000152.5(GAA):c.2213G>A; p.Trp738Ter; c.2213G>A (LRG_673t1, NM_000152.4); c.2213G>A, p.Trp738Ter (NM_001079803.3, NM_001079804.3); short protein forms W738*.
Identifiers: ClinVar variation 370222 (VCV000370222.21), dbSNP rs1057516327, ClinGen allele CA16041900.

ClinVar aggregate classification (germline): Pathogenic. Review status: reviewed by expert panel (3 of 4 stars). 7 submissions from 7 submitters: Pathogenic (1). 6 of the submissions do not count toward it. Last evaluated 2024-12-19.

Conditions:
Glycogen storage disease, type II (IOPD). Also called: CARDIOMEGALIA GLYCOGENICA DIFFUSA; GLYCOGENOSIS, GENERALIZED, CARDIAC FORM; GSD II; Glucosidase acid-1,4-alpha deficiency; Glycogen storage disease type 2; Acid maltase deficiency disease. Identifiers: Orphanet 365, MedGen C0017921, MONDO:0009290, OMIM 232300.

Allele frequency attached by ClinVar (database versions not stated): gnomAD exomes below 0.00001.

Submissions (7):

ClinGen Lysosomal Storage Disorder Variant Curation Expert Panel
Classification: Pathogenic for Glycogen storage disease, type II. Last evaluated: 2024-12-19. Review status: reviewed by expert panel. Criteria: clingen_lsd_acmg_specifications_v2-1. Collection method: curation. Allele origin: germline. Inheritance: Autosomal recessive inheritance.
Comment: The NM_000152.5:c.2213G>A (p.Trp738Ter) variant in GAA is a nonsense variant predicted to cause a premature stop codon in biologically-relevant-exon 16/20, leading to nonsense mediated decay in a gene in which loss-of-function is an established disease mechanism (PVS1). This variant is absent in gnomAD v2.1.1. The highest population minor allele frequency in gnomAD v4.1.0 is 0.00001666 (1/60024 alleles) in the Admixed American population, which is lower than the ClinGen Lysosomal Diseases VCEP’s threshold for PM2_Supporting (<0.001), meeting this criterion (PM2_Supporting). One patient with this variant has been reported with infantile onset Pompe disease and has deficient GAA activity (PMID: 27927596) (PP4). There is a ClinVar entry for this variant (Variation ID: 370222). In summary, this variant meets the criteria to be classified as Pathogenic for Pompe disease. GAA-specific ACMG/AMP criteria met, based on the specifications of the ClinGen Lysosomal Diseases VCEP (Specifications Version 2.0): PVS1, PP4, PM2_Supporting. (Classification approved by the ClinGen Lysosomal Diseases Variant Curation Expert Panel on December 19, 2024)

Genomenon, Inc
Classification: Pathogenic for Glycogen storage disease, type II. Last evaluated: 2026-07-01. Review status: criteria provided, single submitter. Criteria: Genomenon Sequence Variant Interpretation Standards - Updated. Collection method: curation. Allele origin: germline. Affected: yes. Not counted in ClinVar's aggregate classification.
Comment: GAA p.Trp738Ter (c.2213G>A) is a nonsense variant that introduces a premature stop codon at amino acid position 738 and is predicted to result in a truncated or absent protein product. This variant has been observed in at least one proband with a GAA-related disorder (PMID:27927596). It is absent or not present at a significant frequency in gnomAD. In conclusion, we classify GAA p.Trp738Ter (c.2213G>A) as a pathogenic variant.

Women's Health and Genetics/Laboratory Corporation of America, LabCorp
Classification: Pathogenic for Glycogen storage disease, type II. Last evaluated: 2025-01-10. Review status: criteria provided, single submitter. Criteria: LabCorp Variant Classification Summary - May 2015. Collection method: clinical testing. Allele origin: germline. Not counted in ClinVar's aggregate classification.
Comment: Variant summary: GAA c.2213G>A (p.Trp738X) results in a premature termination codon, predicted to cause a truncation of the encoded protein or absence of the protein due to nonsense mediated decay, which are commonly known mechanisms for disease. The variant was absent in 250908 control chromosomes. c.2213G>A has been reported in the literature in individuals affected with Glycogen Storage Disease, Type 2 (Pompe Disease) (example: Lukas_2010). These data indicate that the variant may be associated with disease. The following publications have been ascertained in the context of this evaluation (PMID: 20033296, 33560568). ClinVar contains an entry for this variant (Variation ID: 370222). Based on the evidence outlined above, the variant was classified as pathogenic.

Labcorp Genetics (formerly Invitae), Labcorp
Classification: Pathogenic for Glycogen storage disease, type II. Last evaluated: 2024-11-18. Review status: criteria provided, single submitter. Criteria: Invitae Variant Classification Sherloc (09022015). Collection method: clinical testing. Allele origin: germline. Not counted in ClinVar's aggregate classification.
Comment: This sequence change creates a premature translational stop signal (p.Trp738*) in the GAA gene. It is expected to result in an absent or disrupted protein product. Loss-of-function variants in GAA are known to be pathogenic (PMID: 18425781, 22252923). This variant is not present in population databases (gnomAD no frequency). This premature translational stop signal has been observed in individual(s) with Pompe disease (PMID: 21644219, 22676651, 31076647). ClinVar contains an entry for this variant (Variation ID: 370222). For these reasons, this variant has been classified as Pathogenic.

Natera, Inc.
Classification: Pathogenic for Glycogen storage disease type II. Last evaluated: 2024-04-06. Review status: criteria provided, single submitter. Criteria: Natera Variant Classification Schema (03/2026). Collection method: clinical testing. Allele origin: germline. Not counted in ClinVar's aggregate classification.
Comment: The c.2213G>A variant in GAA is a nonsense variant predicted to introduce a stop codon at amino acid 738. This variant is expected to result in nonsense mediated decay, truncation, or a dysfunctional protein product. This variant is rare in the general population with a frequency below the threshold expected for the associated phenotype(s). This variant has been observed in one or more individuals affected with the associated recessive disease, as either homozygous or compound heterozygous with a second variant (PMID: 27927596). Given the available evidence, this variant is classified as Pathogenic.

Revvity Omics, Revvity
Classification: Pathogenic. Last evaluated: 2024-03-27. Review status: criteria provided, single submitter. Criteria: ACMG Guidelines, 2015. Collection method: clinical testing. Allele origin: germline. Not counted in ClinVar's aggregate classification.

Counsyl
Classification: Likely pathogenic for Glycogen storage disease, type II. Last evaluated: 2015-12-15. Review status: no assertion criteria provided. Collection method: clinical testing. Allele origin: unknown. Not counted in ClinVar's aggregate classification.

Literature cited by the submitters: PubMed 27927596 (cited by Genomenon, Inc and Natera, Inc.); PubMed 33560568 (cited by Women's Health and Genetics/Laboratory Corporation of America, LabCorp); PubMed 20033296 (cited by Women's Health and Genetics/Laboratory Corporation of America, LabCorp); PubMed 18425781 (cited by Labcorp Genetics (formerly Invitae), Labcorp); PubMed 22252923 (cited by Labcorp Genetics (formerly Invitae), Labcorp); PubMed 21644219 (cited by Labcorp Genetics (formerly Invitae), Labcorp); PubMed 22676651 (cited by Labcorp Genetics (formerly Invitae), Labcorp); PubMed 31076647 (cited by Labcorp Genetics (formerly Invitae), Labcorp).